The following is an entry in ClinVar:

ClinVar aggregate classification (germline): Pathogenic (1 of 4 stars; one submission).

Conditions:
Multiple congenital exostosis (EXT). Also called: Multiple osteochondromas; MULTIPLE CARTILAGINOUS EXOSTOSES; Hereditary multiple exostoses; Hereditary multiple exostosis; Hereditary multiple osteochondromas; Multiple exostoses. Identifiers: Orphanet 321, MedGen C0015306, MONDO:0005508, HP:0002762.

Submission:

Labcorp Genetics (formerly Invitae), Labcorp
Classification: Pathogenic for Multiple congenital exostosis. Last evaluated: 2021-01-28. Review status: criteria provided, single submitter. Criteria: Invitae Variant Classification Sherloc (09022015). Collection method: clinical testing. Allele origin: germline.
Comment: For these reasons, this variant has been classified as Pathogenic. Algorithms developed to predict the effect of sequence changes on RNA splicing suggest that this variant may disrupt the consensus splice site, but this prediction has not been confirmed by published transcriptional studies. This variant has been observed in individual(s) with hereditary multiple osteochondromatosis (PMID: 16283885). This variant is not present in population databases (ExAC no frequency). This sequence change affects a donor splice site in intron 6 of the EXT1 gene. It is expected to disrupt RNA splicing. Variants that disrupt the donor or acceptor splice site typically lead to a loss of protein function (PMID: 16199547), and loss-of-function variants in EXT1 are known to be pathogenic (PMID: 10679937, 11391482, 19810120).

Literature cited by the submitters: PubMed 16283885; PubMed 16199547; PubMed 10679937; PubMed 11391482; PubMed 19810120.

NM_000127.3(EXT1):c.1536+1G>C

Gene: EXT1 (exostosin glycosyltransferase 1; minus strand). Cytogenetic location: 8q24.11.
Variant type: single nucleotide variant.
Coding change: c.1536+1G>C on transcript NM_000127.3 (MANE Select); the canonical splice donor site of the intron after coding-DNA position 1536, G replaced by C.
Molecular consequence: splice donor variant.
Genome position (GRCh38, 1-based): chr8:117,819,675, C>G on the plus strand (G>C on the coding strand, the complement: EXT1 is on the minus strand). VCF-style: chr8-117819675-C-G. GRCh37 (hg19) VCF-style: chr8-118831914-C-G.
Identifiers: ClinVar variation 1457286 (VCV001457286.8), dbSNP rs1811889441, ClinGen allele CA371884394.